The following is an entry in ClinVar:

NM_001256789.3(CACNA1F):c.1291G>A (p.Glu431Lys)

Gene: CACNA1F (calcium voltage-gated channel subunit alpha1 F; minus strand). Cytogenetic location: Xp11.23.
Variant type: single nucleotide variant.
Coding change: c.1291G>A on transcript NM_001256789.3 (MANE Select); coding-DNA position 1291, G replaced by A.
Protein change: p.Glu431Lys; replaces glutamic acid 431 with lysine.
Molecular consequence: missense variant.
Genome position (GRCh38, 1-based): chrX:49,226,688, C>T on the plus strand (G>A on the coding strand, the complement: CACNA1F is on the minus strand). VCF-style: chrX-49226688-C-T. GRCh37 (hg19) VCF-style: chrX-49083150-C-T.
Other names: c.1129G>A, p.Glu377Lys (NM_001256790.3); c.1324G>A, p.Glu442Lys (NM_005183.4); short protein forms E377K, E431K, E442K.
Identifiers: ClinVar variation 943766 (VCV000943766.10), dbSNP rs367617777, ClinGen allele CA10410900.

ClinVar aggregate classification (germline): Conflicting classifications of pathogenicity. Review status: criteria provided, conflicting classifications (1 of 4 stars). 2 submissions from 2 submitters: Uncertain significance (1); Likely benign (1). Last evaluated 2024-01-10.

Allele frequency attached by ClinVar (database versions not stated): ExAC below 0.00001; gnomAD 0.00002; gnomAD exomes 0.00002 and 0.00005; TOPMed 0.00007; ESP Exome Variant Server 0.00010.
gnomAD v4.1: 21 of 1,176,881 alleles (0.0018%); highest among the groups gnomAD compares: Admixed American, 0.017%; no homozygotes.

Submissions (2):

Labcorp Genetics (formerly Invitae), Labcorp
Classification: Uncertain significance. Last evaluated: 2024-01-10. Review status: criteria provided, single submitter. Criteria: Invitae Variant Classification Sherloc (09022015). Collection method: clinical testing. Allele origin: germline.
Comment: This sequence change replaces glutamic acid, which is acidic and polar, with lysine, which is basic and polar, at codon 442 of the CACNA1F protein (p.Glu442Lys). This variant is present in population databases (rs367617777, gnomAD 0.02%), and has an allele count higher than expected for a pathogenic variant. This missense change has been observed in individual(s) with clinical features of cone-rod dystrophy (Invitae). ClinVar contains an entry for this variant (Variation ID: 943766). Algorithms developed to predict the effect of missense changes on protein structure and function output the following: SIFT: "Not Available"; PolyPhen-2: "Benign"; Align-GVGD: "Not Available". The lysine amino acid residue is found in multiple mammalian species, which suggests that this missense change does not adversely affect protein function. In summary, the available evidence is currently insufficient to determine the role of this variant in disease. Therefore, it has been classified as a Variant of Uncertain Significance.

Blueprint Genetics
Classification: Likely benign. Last evaluated: 2022-06-13. Review status: criteria provided, single submitter. Criteria: ACMG Guidelines, 2015. Collection method: clinical testing. Allele origin: germline.